The following is an entry in ClinVar:

NM_000095.3(COMP):c.1405GAC[4] (p.Asp473del)

Gene: COMP (cartilage oligomeric matrix protein; minus strand). Cytogenetic location: 19p13.11.
Variant type: Microsatellite.
Coding change: c.1405GAC[4] on transcript NM_000095.3 (MANE Select); four copies in a row of the 3-base unit GAC starting at c.1405; the reference has five copies in a row; one copy, 3 bases deleted; also written c.1417_1419del.
Protein change: p.Asp473del; deletes aspartic acid 473.
Molecular consequence: inframe deletion.
Genome position (GRCh38, 1-based): chr19:18,786,035-18,786,037, GTC deleted on the plus strand (GAC on the coding strand, the reverse complement: COMP is on the minus strand); deleting any 3 consecutive bases within chr19:18,786,035-18,786,050 gives the same sequence; the position shown is the placement nearest the transcript's 3' end. VCF-style (leftmost placement, unchanged base first): chr19-18786034-TGTC-T. GRCh37 (hg19) VCF-style: chr19-18896844-TGTC-T.
Other names: Asp469del; c.1417_1419del (NM_000095.3, NM_000095.2); short protein forms D473del.
Identifiers: ClinVar variation 40988 (VCV000040988.25), dbSNP rs193922900, ClinGen allele CA343853.

ClinVar aggregate classification (germline): Pathogenic. Review status: criteria provided, multiple submitters, no conflicts (2 of 4 stars). 13 submissions from 12 submitters: Pathogenic (11). 2 of the submissions do not count toward it. Last evaluated 2026-03-10.

Conditions:
COMP-related disorder. Also called: COMP-related disorders; COMP-related condition.
Pseudoachondroplastic spondyloepiphyseal dysplasia syndrome (PSACH). Also called: Pseudoachondroplasia; PSEUDOACHONDROPLASTIC DYSPLASIA; COMP-Related Pseudoachondroplasia. Identifiers: Orphanet 750, MedGen C0410538, MONDO:0008322, OMIM 177170.
Multiple epiphyseal dysplasia type 1. Also called: COMP-Related Multiple Epiphyseal Dysplasia. Identifiers: Orphanet 93308, MedGen C1838280, MONDO:0007561, OMIM 132400.

Submissions (13):

Clinical Biomedical Laboratory, Shriners Hospital For Children - Canada
Classification: Pathogenic for Pseudoachondroplastic spondyloepiphyseal dysplasia syndrome. Last evaluated: 2026-03-10. Review status: criteria provided, single submitter. Criteria: ACMG Guidelines, 2015. Collection method: clinical testing. Allele origin: germline. Affected: yes.
Comment: This variant is predicted to produce an inframe deletion of one amino acid. In the Genome Aggregation Database (gnomAD v2.1.1) this variant is not present. The affected nucleotide is conserved in evolution (PhyloP = 7.89). This variant has been observed in individual(s) with pseudoachondroplasia (PMID: 21922596). Based on the ACMG variant interpretation guidelines, the available evidence supports classification of this variant as pathogenic.

Labcorp Genetics (formerly Invitae), Labcorp
Classification: Pathogenic. Last evaluated: 2025-12-24. Review status: criteria provided, single submitter. Criteria: Invitae Variant Classification Sherloc (09022015). Collection method: clinical testing. Allele origin: germline.
Comment: This variant, c.1417_1419del, results in the deletion of 1 amino acid(s) of the COMP protein (p.Asp473del), but otherwise preserves the integrity of the reading frame. This variant is not present in population databases (gnomAD no frequency). This variant has been observed in individual(s) with pseudoachondroplasia and spondyloepiphyseal dysplasia (PMID: 7670471, 21922596, 30138938). In at least one individual the variant was observed to be de novo. ClinVar contains an entry for this variant (Variation ID: 40988). Algorithms developed to predict the effect of variants on gene product structure and function are not available or were not evaluated for this variant. Experimental studies have shown that this variant affects COMP function (PMID: 11084047, 17570134, 22006726, 23956175). For these reasons, this variant has been classified as Pathogenic.

3billion
Classification: Pathogenic for COMP-related disorder. Last evaluated: 2025-10-15. Review status: criteria provided, single submitter. Criteria: ACMG Guidelines, 2015. Collection method: clinical testing. Allele origin: germline. Affected: yes.
Comment: The variant is not observed in the gnomAD v4.1.0 dataset. Predicted Consequence/Location: Inframe deletion located in a repeat region: not predicted to disrupt normal protein function. The variant has been observed in multiple (>3) similarly affected unrelated individuals (PMID: 21922596, 30138938). The variant has been reported at least twice as pathogenic with clinical assertions and evidence for the classification (ClinVar ID: VCV000040988 /PMID: 7670471). Therefore, this variant is classified as Pathogenic according to the recommendation of ACMG/AMP guideline.

Genomic Medicine Center of Excellence, King Faisal Specialist Hospital and Research Centre
Classification: Pathogenic for Multiple epiphyseal dysplasia type 1. Last evaluated: 2025-09-10. Review status: criteria provided, single submitter. Criteria: ACMG Guidelines, 2015. Collection method: clinical testing. Allele origin: germline.

Blueprint Genetics
Classification: Pathogenic for COMP-related disorders. Last evaluated: 2023-09-18. Review status: criteria provided, single submitter. Criteria: ACMG Guidelines, 2015. Collection method: clinical testing. Allele origin: germline. Affected: yes. Observed: 5 variant alleles.

Laboratorio de Genetica e Diagnostico Molecular, Hospital Israelita Albert Einstein
Classification: Pathogenic for Pseudoachondroplastic spondyloepiphyseal dysplasia syndrome. Last evaluated: 2021-09-25. Review status: criteria provided, single submitter. Criteria: ACMG Guidelines, 2015. Collection method: clinical testing. Allele origin: germline. Affected: yes.
Comment: ACMG classification criteria: PS3 supporting, PS4 strong, PM2 moderate, PM4 moderate, PM6 moderate

GeneDx
Classification: Pathogenic. Last evaluated: 2020-09-11. Review status: criteria provided, single submitter. Criteria: GeneDx Variant Classification Process June 2021. Collection method: clinical testing. Allele origin: germline. Affected: yes.
Comment: Most common pathogenic variant in the COMP gene and has been reported previously in association with pseudoachondroplasia (Hecht et al., 1995; Suleman et al., 2012; Briggs et al., 2014); Published functional studies in mice demonstrate abnormal growth plates with disorganized chondrocyte columns resulting in the development of short-limb dwarfism (Suleman et al., 2012); In silico analysis supports a deleterious effect on protein structure/function; This variant is associated with the following publications: (PMID: 32347019, 29309831, 7670471, 24595329, 17570134, 11084047, 22006726, 23956175, 30138938)

Baylor Genetics
Classification: Pathogenic for Multiple epiphyseal dysplasia type 1. Last evaluated: 2019-01-02. Review status: criteria provided, single submitter. Criteria: ACMG Guidelines, 2015. Collection method: clinical testing. Allele origin: de novo. Affected: yes.
Comment: This variant was determined to be pathogenic according to ACMG Guidelines, 2015 [PMID:25741868]. This variant has been previously reported as disease-causing [PMID 7670471, 17570134, 23956175, 22006726, 11084047]

Juno Genomics, Hangzhou Juno Genomics, Inc
Classification: Pathogenic for Pseudoachondroplastic spondyloepiphyseal dysplasia syndrome. Review status: criteria provided, single submitter. Criteria: ACMG Guidelines, 2015. Collection method: clinical testing. Allele origin: germline. Affected: yes.
Comment: Absent from controls (or at extremely low frequency if recessive) in Genome Aggregation Database, Exome Sequencing Project, 1000 Genomes Project, or Exome Aggregation Consortium.;Protein length changes due to in-frame deletions/insertions in a non-repeat region or stop-loss variants.;The prevalence of the variant in affected individuals is significantly increased compared to the prevalence in controls.;Assumed de novo, but without confirmation of paternity and maternity.;Patient's phenotype or family history is highly specific for a disease with a single genetic etiology.;Well-established in vitro or in vivo functional studies supportive of a damaging effect on the gene or gene product.

Neuberg Centre For Genomic Medicine, NCGM
Classification: Pathogenic for Pseudoachondroplastic spondyloepiphyseal dysplasia syndrome. Review status: criteria provided, single submitter. Criteria: ACMG Guidelines, 2015. Collection method: clinical testing. Allele origin: germline. Inheritance: Autosomal dominant inheritance. Affected: yes.
Comment: The in-frame deletion p.D473del in COMP (NM_000095.3) has been observed in individual(s) with pseudoachondroplasia and spondyloepiphyseal dysplasia ( J T Hecht et al, 1995; Jackson et al, 2011; Huang et al, 2018). This variant has been reported to affect COMP protein function ( Chen et al, 2008; Hartley et al, 2013). Additionally, the variant has been reported to ClinVar as Pathogenic. The p.D473del variant is novel (not in any individuals) in gnomAD Exomes and is novel (not in any individuals) in 1000 Genomes. This variant results in a deletion of a aspartic acid at position 473 of the COMP gene. However, as this is an in-frame deletion, it is not expected to result in either a truncated protein product or loss of protein through nonsense-mediated mRNA decay. The nucleotide c.1417 in COMP is predicted conserved by GERP++ and PhyloP across 100 vertebrates. For these reasons, this variant has been classified as Pathogenic.

Neuberg Centre For Genomic Medicine, NCGM
Classification: Pathogenic for Multiple epiphyseal dysplasia type 1. Review status: criteria provided, single submitter. Criteria: ACMG Guidelines, 2015. Collection method: clinical testing. Allele origin: germline. Inheritance: Autosomal dominant inheritance. Affected: yes.
Comment: The observed inframe deletion c.1417_1419del(p.Asp473del) variant in COMP gene has been reported in multiple individuals affected with COMP related disease (Jacob P, et. al., 2022; Briggs MD, et. al., 2014). Experimental studies have shown that this variant affects COMP function (Hartley CL, et. al., 2013). The p.Asp473del variant is absent in gnomAD Exomes. This variant has been submitted to the ClinVar database as Pathogenic (multiple submissions). This p.Asp473del causes deletion of amino acid Aspartic Acid at position 473. This variant is predicted to cause loss of normal protein function through protein truncation. Loss of function variants have been previously reported to be disease causing. For these reasons, this variant has been classified as Pathogenic.

OMIM
Classification: Pathogenic for PSEUDOACHONDROPLASIA. Last evaluated: 2002-05-01. Review status: no assertion criteria provided. Collection method: literature only. Allele origin: germline. Not counted in ClinVar's aggregate classification.

GeneReviews
No classification provided. Condition: Pseudoachondroplastic spondyloepiphyseal dysplasia syndrome. Review status: no classification provided. Collection method: literature only. Allele origin: germline. Not counted in ClinVar's aggregate classification.

Literature cited by the submitters: PubMed 21922596 (cited by 3 submitters); PubMed 7670471 (cited by 4 submitters); PubMed 30138938 (cited by Labcorp Genetics (formerly Invitae), Labcorp and 3billion); PubMed 11084047 (cited by Labcorp Genetics (formerly Invitae), Labcorp and Baylor Genetics); PubMed 17570134 (cited by Labcorp Genetics (formerly Invitae), Labcorp and Baylor Genetics); PubMed 22006726 (cited by Labcorp Genetics (formerly Invitae), Labcorp and Baylor Genetics); PubMed 23956175 (cited by Labcorp Genetics (formerly Invitae), Labcorp and Baylor Genetics); Hall, J. G., Dorst, J. P. Pseudoachondroplastic SED, recessive Maroteaux-Lamy type. Birth Defects Orig. Art. Ser. V(4): 254-259, 1969. (cited by OMIM); PubMed 9463320 (cited by OMIM); Ikegawa, S. Personal Communication. 1998. Tokyo, Japan (cited by OMIM); PubMed 11968079 (cited by OMIM); PubMed 9887340 (cited by OMIM); PubMed 11782471 (cited by OMIM); PubMed 12189245 (cited by OMIM).